The following is an entry in ClinVar:

ClinVar aggregate classification (germline): Uncertain significance (1 of 4 stars; one submission).

Allele frequency attached by ClinVar (database versions not stated): gnomAD exomes below 0.00001.
gnomAD v4.1: 2 of 1,614,050 alleles (0.00012%); highest among the groups gnomAD compares: Admixed American, 0.0033%; no homozygotes.

Submission:

Labcorp Genetics (formerly Invitae), Labcorp
Classification: Uncertain significance. Last evaluated: 2024-07-01. Review status: criteria provided, single submitter. Criteria: Invitae Variant Classification Sherloc (09022015). Collection method: clinical testing. Allele origin: germline.
Comment: This sequence change replaces serine, which is neutral and polar, with glycine, which is neutral and non-polar, at codon 324 of the MTMR14 protein (p.Ser324Gly). This variant is present in population databases (no rsID available, gnomAD 0.003%). This variant has not been reported in the literature in individuals affected with MTMR14-related conditions. ClinVar contains an entry for this variant (Variation ID: 1416376). Advanced modeling of protein sequence and biophysical properties (such as structural, functional, and spatial information, amino acid conservation, physicochemical variation, residue mobility, and thermodynamic stability) performed at Invitae indicates that this missense variant is not expected to disrupt MTMR14 protein function with a negative predictive value of 80%. In summary, the available evidence is currently insufficient to determine the role of this variant in disease. Therefore, it has been classified as a Variant of Uncertain Significance.

NM_001077525.3(MTMR14):c.970A>G (p.Ser324Gly)

Gene: MTMR14 (myotubularin related protein 14; plus strand). Cytogenetic location: 3p25.3.
Variant type: single nucleotide variant.
Coding change: c.970A>G on transcript NM_001077525.3 (MANE Select); coding-DNA position 970, A replaced by G.
Protein change: p.Ser324Gly; replaces serine 324 with glycine.
Molecular consequence: missense variant.
Genome position (GRCh38, 1-based): chr3:9,684,590, A>G. VCF-style: chr3-9684590-A-G. GRCh37 (hg19) VCF-style: chr3-9726274-A-G.
Other names: c.970A>G, p.Ser324Gly (NM_001077526.3, NM_022485.5); short protein forms S324G.
Identifiers: ClinVar variation 1416376 (VCV001416376.6), dbSNP rs1281361693, ClinGen allele CA351690993.